The following is an entry in ClinVar:

ClinVar aggregate classification (germline): Likely benign (0 of 4 stars; one submission).

Conditions:
RBM12-related disorder. Also called: RBM12-related condition.

Allele frequency attached by ClinVar (database versions not stated): ExAC 0.00005; gnomAD 0.00005; gnomAD exomes 0.00005.
gnomAD v4.1: 80 of 1,602,466 alleles (0.005%); highest among the groups gnomAD compares: Middle Eastern, 0.017%; no homozygotes.

Submission:

PreventionGenetics, part of Exact Sciences
Classification: Likely benign for RBM12-related condition. Last evaluated: 2019-11-26. Review status: no assertion criteria provided. Collection method: clinical testing. Allele origin: germline.
Comment: This variant is classified as likely benign based on ACMG/AMP sequence variant interpretation guidelines (Richards et al. 2015 PMID: 25741868, with internal and published modifications).

NM_006047.6(RBM12):c.2505T>C (p.Pro835=)

Genes: CPNE1 (copine 1; minus strand), RBM12 (RNA binding motif protein 12; minus strand). Cytogenetic location: 20q11.22.
Variant type: single nucleotide variant.
Coding change: c.2505T>C on transcript NM_006047.6 (MANE Select); coding-DNA position 2505, T replaced by C.
Protein change: p.Pro835=; no amino-acid change (proline 835 retained).
Molecular consequence: synonymous variant. On other transcripts: intron variant (6).
Genome position (GRCh38, 1-based): chr20:35,652,818, A>G on the plus strand (T>C on the coding strand, the complement: RBM12 is on the minus strand). VCF-style: chr20-35652818-A-G. GRCh37 (hg19) VCF-style: chr20-34240740-A-G.
Other names: c.2505T>C, p.Pro835= (NM_001198838.2, NM_001198840.2, NM_152838.4); c.-1+11984T>C (NM_001198863.2, NM_152926.3); c.-1+11942T>C (NM_152925.3); c.-1+6112T>C (NM_152928.3, NM_152927.3); c.15+710T>C (NM_003915.6).
Identifiers: ClinVar variation 3049197 (VCV003049197.2), dbSNP rs376657170, ClinGen allele CA9836528.
Genomic context (GRCh38, chr20:35,652,818, plus strand): 5'-CGGTCCTGGTTTTCCAGAACTAGATGCAAAGCCAGGGGGACCACCAATATGGATTGGGCC[A>G]GGGCCGGGGCCGGGGCCGGGGCCAGGCCCAAAAGCTGGTGGCCCACCCAAATGCCCAGGG-3'
Protein context (NP_006038.2, residues 825-845): FGPGPGPGPG[Pro835=]GPIHIGGPPG